The following is an entry in ClinVar:

NM_004991.4(MECOM):c.2892G>T (p.Leu964Phe)

Gene: MECOM (MDS1 and EVI1 complex locus; minus strand). Cytogenetic location: 3q26.2.
Variant type: single nucleotide variant.
Coding change: c.2892G>T on transcript NM_004991.4 (MANE Select); coding-DNA position 2892, G replaced by T.
Protein change: p.Leu964Phe; replaces leucine 964 with phenylalanine.
Molecular consequence: missense variant.
Genome position (GRCh38, 1-based): chr3:169,095,203, C>A on the plus strand (G>T on the coding strand, the complement: MECOM is on the minus strand). VCF-style: chr3-169095203-C-A. GRCh37 (hg19) VCF-style: chr3-168812991-C-A.
Other names: c.2523G>T, p.Leu841Phe (NM_001105077.4); c.2328G>T, p.Leu776Phe (NM_001105078.4, NM_001205194.2, NM_001366469.2 and 1 more transcripts); c.2304G>T, p.Leu768Phe (NM_001163999.2, NM_001366470.2); c.2301G>T, p.Leu767Phe (NM_001164000.2, NM_001366471.2, NM_001366472.2); c.2865G>T, p.Leu955Phe (NM_001366466.2); c.2331G>T, p.Leu777Phe (NM_001366467.2, NM_001366468.2); c.1893G>T, p.Leu631Phe (NM_001366473.2); c.1329G>T, p.Leu443Phe (NM_001366474.2); short protein forms L768F, L631F, L443F, L767F, L776F, L955F, L777F, L841F.
Identifiers: ClinVar variation 4726066 (VCV004726066.1).
Genomic context (GRCh38, chr3:169,095,203, plus strand): 5'-ATCACATAAGTGACACTTAAATGGCTTCTCTTTATTGTGGATGTTGCGAACATGCCTTTG[C>A]AAGTTAGAAGATATGCTAAATGATCTGTCACAGTATTTGCATCTGAAAAATAAACAAAGA-3'
Protein context (NP_004982.2, residues 954-974): CDRSFSISSN[Leu964Phe]QRHVRNIHNK

ClinVar aggregate classification (germline): Uncertain significance (1 of 4 stars; one submission).

Submission:

Labcorp Genetics (formerly Invitae), Labcorp
Classification: Uncertain significance. Last evaluated: 2025-08-25. Review status: criteria provided, single submitter. Criteria: Invitae Variant Classification Sherloc (09022015). Collection method: clinical testing. Allele origin: germline.
Comment: This sequence change replaces leucine, which is neutral and non-polar, with phenylalanine, which is neutral and non-polar, at codon 776 of the MECOM protein (p.Leu776Phe). This variant is not present in population databases (gnomAD no frequency). This variant has not been reported in the literature in individuals affected with MECOM-related conditions. An algorithm developed to predict the effect of missense changes on protein structure and function (PolyPhen-2) suggests that this variant is likely to be disruptive. In summary, the available evidence is currently insufficient to determine the role of this variant in disease. Therefore, it has been classified as a Variant of Uncertain Significance.